The following is an entry in ClinVar:

NM_144651.5(PXDNL):c.2004G>A (p.Thr668=)

Gene: PXDNL (peroxidasin like; minus strand). Cytogenetic location: 8q11.22.
Variant type: single nucleotide variant.
Coding change: c.2004G>A on transcript NM_144651.5 (MANE Select); coding-DNA position 2004, G replaced by A.
Protein change: p.Thr668=; no amino-acid change (threonine 668 retained).
Molecular consequence: synonymous variant.
Genome position (GRCh38, 1-based): chr8:51,411,308, C>T on the plus strand (G>A on the coding strand, the complement: PXDNL is on the minus strand). VCF-style: chr8-51411308-C-T. GRCh37 (hg19) VCF-style: chr8-52323868-C-T.
Identifiers: ClinVar variation 729942 (VCV000729942.6), dbSNP rs79920259, ClinGen allele CA4745165.

ClinVar aggregate classification (germline): Benign. Review status: criteria provided, multiple submitters, no conflicts (2 of 4 stars). 3 submissions from 3 submitters: Benign (2). 1 of the submissions does not count toward it. Last evaluated 2018-04-10.

Conditions:
PXDNL-related disorder. Also called: PXDNL-related condition.

Allele frequency attached by ClinVar (database versions not stated): gnomAD exomes 0.00162; ExAC 0.00299; gnomAD 0.00677 and 0.00724; ESP Exome Variant Server 0.00696; TOPMed 0.00758; 1000 Genomes Project 0.00839; 1000 Genomes Project 30x 0.00890.
gnomAD v4.1: 1,893 of 1,577,662 alleles (0.12%); highest among the groups gnomAD compares: African/African-American, 2.3%; 18 homozygotes.

Submissions (3):

Labcorp Genetics (formerly Invitae), Labcorp
Classification: Benign. Last evaluated: 2018-04-10. Review status: criteria provided, single submitter. Criteria: Invitae Variant Classification Sherloc (09022015). Collection method: clinical testing. Allele origin: germline.

Breakthrough Genomics
Classification: Benign. Review status: criteria provided, single submitter. Criteria: ACMG Guidelines, 2015. Collection method: not provided. Allele origin: germline. Inheritance: Unknown mechanism. Affected: yes.

PreventionGenetics, part of Exact Sciences
Classification: Benign for PXDNL-related condition. Last evaluated: 2019-05-23. Review status: no assertion criteria provided. Collection method: clinical testing. Allele origin: germline. Not counted in ClinVar's aggregate classification.
Comment: This variant is classified as benign based on ACMG/AMP sequence variant interpretation guidelines (Richards et al. 2015 PMID: 25741868, with internal and published modifications).